The following is an entry in ClinVar:

ClinVar aggregate classification (germline): Pathogenic. Review status: criteria provided, multiple submitters, no conflicts (2 of 4 stars). 4 submissions from 4 submitters: Pathogenic (4). Last evaluated 2025-05-07.

Conditions:
Hereditary nonpolyposis colorectal neoplasms. Identifiers: MedGen C0009405, MeSH D003123.
Hereditary cancer-predisposing syndrome. Also called: Hereditary Cancer Syndrome; Hereditary neoplastic syndrome; Neoplastic Syndromes, Hereditary; Tumor predisposition. Identifiers: Orphanet 140162, MedGen C0027672, MeSH D009386, MONDO:0015356.
Lynch syndrome 5 (LYNCH5). Also called: Hereditary non-polyposis colorectal cancer, type 5; Colorectal cancer, hereditary nonpolyposis, type 5. Identifiers: Orphanet 144, MedGen C1833477, MONDO:0013710, OMIM 614350. Disease mechanism: loss of function.

Submissions (4):

Labcorp Genetics (formerly Invitae), Labcorp
Classification: Pathogenic for Hereditary nonpolyposis colorectal neoplasms. Last evaluated: 2025-05-07. Review status: criteria provided, single submitter. Criteria: Invitae Variant Classification Sherloc (09022015). Collection method: clinical testing. Allele origin: germline.
Comment: This sequence change creates a premature translational stop signal (p.Gly925Thrfs*9) in the MSH6 gene. It is expected to result in an absent or disrupted protein product. Loss-of-function variants in MSH6 are known to be pathogenic (PMID: 18269114, 24362816). This variant is not present in population databases (gnomAD no frequency). This variant has not been reported in the literature in individuals affected with MSH6-related conditions. ClinVar contains an entry for this variant (Variation ID: 455220). For these reasons, this variant has been classified as Pathogenic.

Quest Diagnostics Nichols Institute San Juan Capistrano
Classification: Pathogenic. Last evaluated: 2024-08-20. Review status: criteria provided, single submitter. Criteria: Quest Diagnostics criteria. Collection method: clinical testing. Allele origin: unknown.
Comment: The MSH6 c.2772_2773del (p.Gly925Thrfs*9) variant alters the translational reading frame of the MSH6 mRNA and causes the premature termination of MSH6 protein synthesis. This variant has not been reported in individuals with MSH6-related conditions in the published literature. This variant has not been reported in large, multi-ethnic general populations (Genome Aggregation Database). Based on the available information, this variant is classified as pathogenic.

Ambry Genetics
Classification: Pathogenic for Hereditary cancer-predisposing syndrome. Last evaluated: 2024-01-05. Review status: criteria provided, single submitter. Criteria: Ambry Variant Classification Scheme 2023. Collection method: clinical testing. Allele origin: germline.
Comment: The c.2772_2773delTG pathogenic mutation, located in coding exon 4 of the MSH6 gene, results from a deletion of two nucleotides at nucleotide positions 2772 to 2773, causing a translational frameshift with a predicted alternate stop codon (p.G925Tfs*9). This alteration is expected to result in loss of function by premature protein truncation or nonsense-mediated mRNA decay. As such, this alteration is interpreted as a disease-causing mutation.

Myriad Genetics, Inc.
Classification: Pathogenic for Lynch syndrome 5. Last evaluated: 2023-08-18. Review status: criteria provided, single submitter. Criteria: Myriad Autosomal Dominant, Autosomal Recessive and X-Linked Classification Criteria (2023). Collection method: clinical testing. Allele origin: unknown.
Comment: This variant is considered pathogenic. This variant creates a frameshift predicted to result in premature protein truncation.

Literature cited by the submitters: PubMed 18269114 (cited by Labcorp Genetics (formerly Invitae), Labcorp); PubMed 24362816 (cited by Labcorp Genetics (formerly Invitae), Labcorp).

NM_000179.3(MSH6):c.2772_2773del (p.Gly925fs)

Gene: MSH6 (mutS homolog 6; plus strand). Cytogenetic location: 2p16.3.
Variant type: Deletion.
Coding change: c.2772_2773del on transcript NM_000179.3 (MANE Select); coding-DNA positions 2772 to 2773, 2 bases deleted (TG; older notation c.2772_2773delTG).
Protein change: p.Gly925fs; shifts the reading frame from glycine 925.
Molecular consequence: frameshift variant.
Genome position (GRCh38, 1-based): chr2:47,800,755-47,800,756, TG deleted. VCF-style (leftmost placement, unchanged base first): chr2-47800754-CTG-C. GRCh37 (hg19) VCF-style: chr2-48027893-CTG-C.
Other names: c.2772_2773delTG (NM_000179.2); c.2382_2383del, p.Gly795fs (NM_001281492.2); c.1866_1867del, p.Gly623fs (NM_001281493.2, NM_001281494.2); short protein forms G623fs, G795fs.
Identifiers: ClinVar variation 455220 (VCV000455220.14), dbSNP rs1553414131, ClinGen allele CA658655667.
Genomic context (GRCh38, chr2:47,800,754, plus strand): 5'-ATTTGACTGTAGAATTGAACCGATGGGATACAGCCTTTGACCATGAAAAGGCTCGAAAGA[CTG>C]GACTTATTACTCCCAAAGCAGGCTTTGACTCTGATTATGACCAAGCTCTTGCTGACATAA-3'